The following is an entry in ClinVar:

NM_004211.5(SLC6A5):c.1091A>T (p.Asn364Ile)

Gene: SLC6A5 (solute carrier family 6 member 5; plus strand). Cytogenetic location: 11p15.1.
Variant type: single nucleotide variant.
Coding change: c.1091A>T on transcript NM_004211.5 (MANE Select); coding-DNA position 1091, A replaced by T.
Protein change: p.Asn364Ile; replaces asparagine 364 with isoleucine.
Molecular consequence: missense variant.
Genome position (GRCh38, 1-based): chr11:20,614,784, A>T. VCF-style: chr11-20614784-A-T. GRCh37 (hg19) VCF-style: chr11-20636330-A-T.
Other names: c.389A>T, p.Asn130Ile (NM_001318369.2); short protein forms N364I, N130I.
Identifiers: ClinVar variation 2055805 (VCV002055805.4), dbSNP rs1565275848, ClinGen allele CA379915751.

ClinVar aggregate classification (germline): Uncertain significance (1 of 4 stars; one submission).

Conditions:
Hyperekplexia 3 (HKPX3). Also called: HYPEREKPLEXIA 3, AUTOSOMAL RECESSIVE; HYPEREKPLEXIA 3, AUTOSOMAL DOMINANT. Identifiers: Orphanet 3197, MedGen C3553288, MONDO:0013827, OMIM 614618.

Allele frequency attached by ClinVar (database versions not stated): gnomAD exomes below 0.00001.
gnomAD v4.1: 1 of 1,614,088 alleles (0.000062%); highest among the groups gnomAD compares: Non-Finnish European, 0.000085%; no homozygotes.

Submission:

Labcorp Genetics (formerly Invitae), Labcorp
Classification: Uncertain significance for Hyperekplexia 3. Last evaluated: 2021-12-23. Review status: criteria provided, single submitter. Criteria: Invitae Variant Classification Sherloc (09022015). Collection method: clinical testing. Allele origin: germline.
Comment: Advanced modeling of protein sequence and biophysical properties (such as structural, functional, and spatial information, amino acid conservation, physicochemical variation, residue mobility, and thermodynamic stability) performed at Invitae indicates that this missense variant is not expected to disrupt SLC6A5 protein function. In summary, the available evidence is currently insufficient to determine the role of this variant in disease. Therefore, it has been classified as a Variant of Uncertain Significance. This sequence change replaces asparagine, which is neutral and polar, with isoleucine, which is neutral and non-polar, at codon 364 of the SLC6A5 protein (p.Asn364Ile). This variant is not present in population databases (gnomAD no frequency). This variant has not been reported in the literature in individuals affected with SLC6A5-related conditions.